The following is an entry in ClinVar:

ClinVar aggregate classification (germline): Uncertain significance (1 of 4 stars; one submission).

Conditions:
Microcephaly-intellectual disability-sensorineural hearing loss-epilepsy-abnormal muscle tone syndrome (NEDHSB). Also called: NEURODEVELOPMENTAL DISORDER WITH HEARING LOSS, SEIZURES, AND BRAIN ABNORMALITIES. Identifiers: Orphanet 457351, MedGen C4225276, MONDO:0014698, OMIM 616577.

Allele frequency attached by ClinVar (database versions not stated): ExAC 0.00001; gnomAD exomes 0.00001 and 0.00002; TOPMed 0.00002.
gnomAD v4.1: 9 of 1,599,306 alleles (0.00056%); highest among the groups gnomAD compares: Admixed American, 0.016%; no homozygotes.

Submission:

Labcorp Genetics (formerly Invitae), Labcorp
Classification: Uncertain significance for Microcephaly-intellectual disability-sensorineural hearing loss-epilepsy-abnormal muscle tone syndrome. Last evaluated: 2024-10-24. Review status: criteria provided, single submitter. Criteria: Invitae Variant Classification Sherloc (09022015). Collection method: clinical testing. Allele origin: germline.
Comment: This sequence change replaces methionine, which is neutral and non-polar, with leucine, which is neutral and non-polar, at codon 481 of the SPATA5 protein (p.Met481Leu). This variant is present in population databases (rs769181441, gnomAD 0.02%). This variant has not been reported in the literature in individuals affected with SPATA5-related conditions. ClinVar contains an entry for this variant (Variation ID: 475719). Invitae Evidence Modeling of protein sequence and biophysical properties (such as structural, functional, and spatial information, amino acid conservation, physicochemical variation, residue mobility, and thermodynamic stability) indicates that this missense variant is not expected to disrupt SPATA5 protein function with a negative predictive value of 80%. In summary, the available evidence is currently insufficient to determine the role of this variant in disease. Therefore, it has been classified as a Variant of Uncertain Significance.

NM_145207.3(AFG2A):c.1441A>T (p.Met481Leu)

Gene: AFG2A (AFG2 AAA ATPase homolog A; plus strand). Cytogenetic location: 4q28.1.
Variant type: single nucleotide variant.
Coding change: c.1441A>T on transcript NM_145207.3 (MANE Select); coding-DNA position 1441, A replaced by T.
Protein change: p.Met481Leu; replaces methionine 481 with leucine.
Molecular consequence: missense variant.
Genome position (GRCh38, 1-based): chr4:122,938,232, A>T. VCF-style: chr4-122938232-A-T. GRCh37 (hg19) VCF-style: chr4-123859387-A-T.
Other names: c.1438A>T, p.Met480Leu (NM_001317799.2, NM_001345856.2); short protein forms M481L, M480L.
Identifiers: ClinVar variation 475719 (VCV000475719.7), dbSNP rs769181441, ClinGen allele CA3070456.